The following is an entry in ClinVar:

ClinVar aggregate classification (germline): Likely pathogenic. Review status: criteria provided, single submitter (1 of 4 stars). 2 submissions from 2 submitters: Likely pathogenic (1). 1 of the submissions does not count toward it. Last evaluated 2018-10-15.

Conditions:
Methemoglobinemia type 4. Also called: METHEMOGLOBINEMIA DUE TO DEFICIENCY OF CYTOCHROME b5. Identifiers: Orphanet 621, MedGen C4285231, MONDO:0009605, OMIM 250790.

Allele frequency attached by ClinVar (database versions not stated): gnomAD exomes below 0.00001.
gnomAD v4.1: 2 of 1,614,132 alleles (0.00012%); highest among the groups gnomAD compares: South Asian, 0.0022%; no homozygotes.

Submissions (2):

SIB Swiss Institute of Bioinformatics
Classification: Likely pathogenic for Methemoglobinemia type 4. Last evaluated: 2018-10-15. Review status: criteria provided, single submitter. Criteria: ACMG Guidelines, 2015. Collection method: curation. Allele origin: germline.
Comment: This variant is interpreted as Likely Pathogenic, for Methemoglobinemia and ambiguous genitalia, autosomal recessive. The following ACMG Tag(s) were applied: PS3 => Well-established functional studies show a deleterious effect (PubMed 22170710). PM2 => Absent from controls (or at extremely low frequency if recessive) in Exome Sequencing Project, 1000 Genomes Project, or Exome Aggregation Consortium. PP3 => Multiple lines of computational evidence support a deleterious effect on the gene or gene product. PP1 => Cosegregation with disease in multiple affected family members in a gene definitively known to cause the disease (PubMed 22170710).

OMIM
Classification: Pathogenic for METHEMOGLOBINEMIA AND AMBIGUOUS GENITALIA. Last evaluated: 2018-05-17. Review status: no assertion criteria provided. Collection method: literature only. Allele origin: germline. Not counted in ClinVar's aggregate classification.

Literature cited by the submitters: PubMed 22170710 (cited by SIB Swiss Institute of Bioinformatics and OMIM).

NM_148923.4(CYB5A):c.131A>T (p.His44Leu)

Gene: CYB5A (cytochrome b5 type A; minus strand). Cytogenetic location: 18q22.3.
Variant type: single nucleotide variant.
Coding change: c.131A>T on transcript NM_148923.4 (MANE Select); coding-DNA position 131, A replaced by T.
Protein change: p.His44Leu; replaces histidine 44 with leucine.
Molecular consequence: missense variant.
Genome position (GRCh38, 1-based): chr18:74,263,476, T>A on the plus strand (A>T on the coding strand, the complement: CYB5A is on the minus strand). VCF-style: chr18-74263476-T-A. GRCh37 (hg19) VCF-style: chr18-71930711-T-A.
Other names: c.131A>T, p.His44Leu (NM_001190807.3, NM_001914.4); short protein forms H44L.
Identifiers: ClinVar variation 524201 (VCV000524201.1), dbSNP rs1555688659, ClinGen allele CA402763953.